The following is an entry in ClinVar:

NM_006269.2(RP1):c.1523T>C (p.Met508Thr)

Gene: RP1 (RP1 axonemal microtubule associated; plus strand). Cytogenetic location: 8q12.1.
Variant type: single nucleotide variant.
Coding change: c.1523T>C on transcript NM_006269.2 (MANE Select); coding-DNA position 1523, T replaced by C.
Protein change: p.Met508Thr; replaces methionine 508 with threonine.
Molecular consequence: missense variant. On other transcripts: intron variant (1).
Genome position (GRCh38, 1-based): chr8:54,625,405, T>C. VCF-style: chr8-54625405-T-C. GRCh37 (hg19) VCF-style: chr8-55537965-T-C.
Other names: c.787+3117T>C (NM_001375654.1); short protein forms M508T.
Identifiers: ClinVar variation 1997773 (VCV001997773.4), dbSNP rs1806008874, ClinGen allele CA370990663.
Genomic context (GRCh38, chr8:54,625,405, plus strand): 5'-AAAGGGAAAGTGGGGAAAACAAGTCTGAGTATCACATGTTTACACATTCTTGCAGTAAAA[T>C]GTCATCAGTATCTAACAAACCAGTACTTGTTCAGATCAATAACAATGATCAAATGGAGGA-3'
Protein context (NP_006260.1, residues 498-518): YHMFTHSCSK[Met508Thr]SSVSNKPVLV

ClinVar aggregate classification (germline): Uncertain significance (1 of 4 stars; one submission).

Submission:

Labcorp Genetics (formerly Invitae), Labcorp
Classification: Uncertain significance. Last evaluated: 2024-11-11. Review status: criteria provided, single submitter. Criteria: Invitae Variant Classification Sherloc (09022015). Collection method: clinical testing. Allele origin: germline.
Comment: This sequence change replaces methionine, which is neutral and non-polar, with threonine, which is neutral and polar, at codon 508 of the RP1 protein (p.Met508Thr). This variant is not present in population databases (gnomAD no frequency). This variant has not been reported in the literature in individuals affected with RP1-related conditions. ClinVar contains an entry for this variant (Variation ID: 1997773). An algorithm developed to predict the effect of missense changes on protein structure and function (PolyPhen-2) suggests that this variant is likely to be tolerated. In summary, the available evidence is currently insufficient to determine the role of this variant in disease. Therefore, it has been classified as a Variant of Uncertain Significance.